The following is an entry in ClinVar:

ClinVar aggregate classification (germline): Likely benign. Review status: reviewed by expert panel (3 of 4 stars). 4 submissions from 4 submitters: Likely benign (1). 3 of the submissions do not count toward it. Last evaluated 2017-06-29.

Conditions:
Hereditary cancer-predisposing syndrome. Also called: Hereditary neoplastic syndrome; Hereditary Cancer Syndrome; Neoplastic Syndromes, Hereditary; Tumor predisposition. Identifiers: Orphanet 140162, MedGen C0027672, MeSH D009386, MONDO:0015356.
Breast-ovarian cancer, familial, susceptibility to, 2 (BROVCA2). Also called: BRCA2 Hereditary Breast and Ovarian Cancer. Identifiers: Orphanet 145, MedGen C2675520, MONDO:0012933, OMIM 612555. Disease mechanism: loss of function.

Submissions (4):

Evidence-based Network for the Interpretation of Germline Mutant Alleles (ENIGMA)
Classification: Likely benign for Breast-ovarian cancer, familial, susceptibility to, 2. Last evaluated: 2017-06-29. Review status: reviewed by expert panel. Criteria: ENIGMA BRCA1/2 Classification Criteria (2017-06-29). Collection method: curation. Allele origin: germline.
Comment: Synonymous substitution variant, with low bioinformatic likelihood to result in a splicing aberration (Splicing prior probability 0.02).

Women's Health and Genetics/Laboratory Corporation of America, LabCorp
Classification: Likely benign. Last evaluated: 2025-11-17. Review status: criteria provided, single submitter. Criteria: LabCorp Variant Classification Summary - May 2015. Collection method: clinical testing. Allele origin: germline. Not counted in ClinVar's aggregate classification.

Ambry Genetics
Classification: Likely benign for Hereditary cancer-predisposing syndrome. Last evaluated: 2020-06-05. Review status: criteria provided, single submitter. Criteria: Ambry Variant Classification Scheme 2023. Collection method: clinical testing. Allele origin: germline. Not counted in ClinVar's aggregate classification.

Color Diagnostics, LLC DBA Color Health
Classification: Likely benign for Hereditary cancer-predisposing syndrome. Last evaluated: 2017-03-08. Review status: criteria provided, single submitter. Criteria: ACMG Guidelines, 2015. Collection method: clinical testing. Allele origin: germline. Not counted in ClinVar's aggregate classification.

NM_000059.4(BRCA2):c.243C>T (p.Phe81=)

Gene: BRCA2 (BRCA2 DNA repair associated; plus strand). Cytogenetic location: 13q13.1.
Variant type: single nucleotide variant.
Coding change: c.243C>T on transcript NM_000059.4 (MANE Select); coding-DNA position 243, C replaced by T.
Protein change: p.Phe81=; no amino-acid change (phenylalanine 81 retained).
Molecular consequence: synonymous variant.
Genome position (GRCh38, 1-based): chr13:32,319,252, C>T. VCF-style: chr13-32319252-C-T. GRCh37 (hg19) VCF-style: chr13-32893389-C-T.
Identifiers: ClinVar variation 427476 (VCV000427476.8), dbSNP rs1131692144, ClinGen allele CA483436102.